The following is an entry in ClinVar:

ClinVar aggregate classification (germline): Uncertain significance (1 of 4 stars; one submission).

Submission:

Labcorp Genetics (formerly Invitae), Labcorp
Classification: Uncertain significance. Last evaluated: 2022-09-02. Review status: criteria provided, single submitter. Criteria: Invitae Variant Classification Sherloc (09022015). Collection method: clinical testing. Allele origin: germline.
Comment: In summary, the available evidence is currently insufficient to determine the role of this variant in disease. Therefore, it has been classified as a Variant of Uncertain Significance. Algorithms developed to predict the effect of sequence changes on RNA splicing suggest that this variant may create or strengthen a splice site. This variant has not been reported in the literature in individuals affected with LAMC3-related conditions. This variant is not present in population databases (gnomAD no frequency). This sequence change falls in intron 19 of the LAMC3 gene. It does not directly change the encoded amino acid sequence of the LAMC3 protein.

NM_006059.4(LAMC3):c.3418-15C>G

Gene: LAMC3 (laminin subunit gamma 3; plus strand). Cytogenetic location: 9q34.12.
Variant type: single nucleotide variant.
Coding change: c.3418-15C>G on transcript NM_006059.4 (MANE Select); 15 bases into the intron before coding-DNA position 3418, C replaced by G.
Molecular consequence: intron variant.
Genome position (GRCh38, 1-based): chr9:131,073,230, C>G. VCF-style: chr9-131073230-C-G. GRCh37 (hg19) VCF-style: chr9-133948617-C-G.
Identifiers: ClinVar variation 2111342 (VCV002111342.4), dbSNP rs558233498, ClinGen allele CA2580079868.
Genomic context (GRCh38, chr9:131,073,230, plus strand): 5'-ACAATTGGACCAGATGTGGCCCTTACCCTTTGGCGATGGGCCATCAGTTTCCTCCTCTTC[C>G]TCTTCTTTCTACAGGAGATTCCTCAGGAAGGTCCCAGTCAGCCGACCAAATGGAGCCACC-3'